The following is an entry in ClinVar:

ClinVar aggregate classification (germline): Likely benign. Review status: criteria provided, multiple submitters, no conflicts (2 of 4 stars). 3 submissions from 3 submitters: Likely benign (3). Last evaluated 2025-07-03.

Conditions:
KANK1-related disorder. Also called: KANK1-related condition.

Allele frequency attached by ClinVar (database versions not stated): ExAC 0.00002.
gnomAD v4.1: 22 of 1,614,074 alleles (0.0014%); highest among the groups gnomAD compares: East Asian, 0.018%; 1 homozygote.

Submissions (3):

PreventionGenetics, part of Exact Sciences
Classification: Likely benign for KANK1-related condition. Last evaluated: 2025-07-03. Review status: criteria provided, single submitter. Criteria: ACMG Guidelines, 2015. Collection method: clinical testing. Allele origin: germline.
Comment: This variant is classified as likely benign based on ACMG/AMP sequence variant interpretation guidelines (Richards et al. 2015 PMID: 25741868, with internal and published modifications).

Blueprint Genetics
Classification: Likely benign. Last evaluated: 2024-02-29. Review status: criteria provided, single submitter. Criteria: ACMG Guidelines, 2015. Collection method: clinical testing. Allele origin: germline.

Labcorp Genetics (formerly Invitae), Labcorp
Classification: Likely benign. Last evaluated: 2022-12-25. Review status: criteria provided, single submitter. Criteria: Invitae Variant Classification Sherloc (09022015). Collection method: clinical testing. Allele origin: germline.

NM_015158.5(KANK1):c.1851G>A (p.Lys617=)

Gene: KANK1 (KN motif and ankyrin repeat domains 1; plus strand). Cytogenetic location: 9p24.3.
Variant type: single nucleotide variant.
Coding change: c.1851G>A on transcript NM_015158.5 (MANE Select); coding-DNA position 1851, G replaced by A.
Protein change: p.Lys617=; no amino-acid change (lysine 617 retained).
Molecular consequence: synonymous variant. On other transcripts: non-coding transcript variant (1).
Genome position (GRCh38, 1-based): chr9:712,617, G>A. VCF-style: chr9-712617-G-A. GRCh37 (hg19) VCF-style: chr9-712617-G-A.
Other names: c.1851G>A (NM_015158.3); c.1851G>A, p.Lys617= (NM_001354331.2, NM_001354332.2, NM_001354334.2 and 2 more transcripts); c.1377G>A, p.Lys459= (NM_001354333.2, NM_001354335.2, NM_001354336.2 and 9 more transcripts).
Identifiers: ClinVar variation 2759145 (VCV002759145.5), dbSNP rs369123187, ClinGen allele CA4960338.
Genomic context (GRCh38, chr9:712,617, plus strand): 5'-CAGCGTCTGCGAAACAGGCAGCAACACAGAGGAGTCTGTGAACGACCTCACACTCCTCAA[G>A]ACAAACTTGAATCTCAAAGAAGTGCGGTCTATCGGTTGTGGAGATTGTTCTGTTGACGTG-3'
Protein context (NP_055973.2, residues 607-627): EESVNDLTLL[Lys617=]TNLNLKEVRS